The following is an entry in ClinVar:

NM_001853.4(COL9A3):c.2049C>G (p.Ser683Arg)

Gene: COL9A3 (collagen type IX alpha 3 chain; plus strand). Cytogenetic location: 20q13.33.
Variant type: single nucleotide variant.
Coding change: c.2049C>G on transcript NM_001853.4 (MANE Select); coding-DNA position 2049, C replaced by G.
Protein change: p.Ser683Arg; replaces serine 683 with arginine.
Molecular consequence: missense variant.
Genome position (GRCh38, 1-based): chr20:62,840,726, C>G. VCF-style: chr20-62840726-C-G. GRCh37 (hg19) VCF-style: chr20-61472078-C-G.
Other names: c.2049C>G (NM_001853.3); short protein forms S683R.
Identifiers: ClinVar variation 1415010 (VCV001415010.9), dbSNP rs765425386, ClinGen allele CA9950298.

ClinVar aggregate classification (germline): Uncertain significance. Review status: criteria provided, multiple submitters, no conflicts (2 of 4 stars). 4 submissions from 4 submitters: Uncertain significance (4). Last evaluated 2026-04-14.

Conditions:
COL9A3-related disorder. Also called: COL9A3-related condition.
Inborn genetic diseases. Identifiers: MedGen C0950123, MeSH D030342.

Allele frequency attached by ClinVar (database versions not stated): TOPMed 0.00002; gnomAD 0.00001; gnomAD exomes 0.00001 and 0.00002.
gnomAD v4.1: 5 of 1,567,888 alleles (0.00032%); highest among the groups gnomAD compares: Admixed American, 0.0095%; no homozygotes.

Submissions (4):

GeneDx
Classification: Uncertain significance. Last evaluated: 2026-04-14. Review status: criteria provided, single submitter. Criteria: GeneDx Variant Classification Process June 2021. Collection method: clinical testing. Allele origin: germline.
Comment: Not observed at significant frequency in large population cohorts (gnomAD); In silico analysis suggests that this missense variant does not alter protein structure/function; Has not been previously published as pathogenic or benign to our knowledge

PreventionGenetics, part of Exact Sciences
Classification: Uncertain significance for COL9A3-related condition. Last evaluated: 2026-03-08. Review status: criteria provided, single submitter. Criteria: ACMG Guidelines, 2015. Collection method: clinical testing. Allele origin: germline.
Comment: The COL9A3 c.2049C>G variant is predicted to result in the amino acid substitution p.Ser683Arg. To our knowledge, this variant has not been reported in the literature. This variant is reported in 0.015% of alleles in individuals of Latino descent in gnomAD. At this time, the clinical significance of this variant is uncertain due to the absence of conclusive functional and genetic evidence.

Labcorp Genetics (formerly Invitae), Labcorp
Classification: Uncertain significance. Last evaluated: 2025-12-08. Review status: criteria provided, single submitter. Criteria: Invitae Variant Classification Sherloc (09022015). Collection method: clinical testing. Allele origin: germline.
Comment: This sequence change replaces serine, which is neutral and polar, with arginine, which is basic and polar, at codon 683 of the COL9A3 protein (p.Ser683Arg). This variant is present in population databases (rs765425386, gnomAD 0.02%). This variant has not been reported in the literature in individuals affected with COL9A3-related conditions. ClinVar contains an entry for this variant (Variation ID: 1415010). Invitae Evidence Modeling of protein sequence and biophysical properties (such as structural, functional, and spatial information, amino acid conservation, physicochemical variation, residue mobility, and thermodynamic stability) indicates that this missense variant is not expected to disrupt COL9A3 protein function with a negative predictive value of 95%. In summary, the available evidence is currently insufficient to determine the role of this variant in disease. Therefore, it has been classified as a Variant of Uncertain Significance.

Ambry Genetics
Classification: Uncertain significance for Inborn genetic diseases. Last evaluated: 2023-12-13. Review status: criteria provided, single submitter. Criteria: Ambry Variant Classification Scheme 2023. Collection method: clinical testing. Allele origin: germline.